The following is an entry in ClinVar:

NM_000360.4(TH):c.890G>A (p.Arg297Gln)

Gene: TH (tyrosine hydroxylase; minus strand). Cytogenetic location: 11p15.5.
Variant type: single nucleotide variant.
Coding change: c.890G>A on transcript NM_000360.4 (MANE Select); coding-DNA position 890, G replaced by A.
Protein change: p.Arg297Gln; replaces arginine 297 with glutamine.
Molecular consequence: missense variant.
Genome position (GRCh38, 1-based): chr11:2,166,720, C>T on the plus strand (G>A on the coding strand, the complement: TH is on the minus strand). VCF-style: chr11-2166720-C-T. GRCh37 (hg19) VCF-style: chr11-2187950-C-T.
Other names: c.983G>A, p.Arg328Gln (NM_199292.3); c.971G>A, p.Arg324Gln (NM_199293.3); short protein forms R297Q, R324Q, R328Q.
Identifiers: ClinVar variation 3339341 (VCV003339341.1).

ClinVar aggregate classification (germline): Uncertain significance (1 of 4 stars; one submission).

gnomAD v4.1: 8 of 1,551,518 alleles (0.00052%); highest among the groups gnomAD compares: Non-Finnish European, 0.0007%; no homozygotes.

Submission:

Women's Health and Genetics/Laboratory Corporation of America, LabCorp
Classification: Uncertain significance. Last evaluated: 2024-07-24. Review status: criteria provided, single submitter. Criteria: LabCorp Variant Classification Summary - May 2015. Collection method: clinical testing. Allele origin: germline.
Comment: Variant summary: TH c.983G>A (p.Arg328Gln) results in a conservative amino acid change located in the aromatic amino acid hydroxylase, C-terminal domain (IPR019774) of the encoded protein sequence. Four of five in-silico tools predict a damaging effect of the variant on protein function. The variant allele was found at a frequency of 6.9e-06 in 145270 control chromosomes. The available data on variant occurrences in the general population are insufficient to allow any conclusion about variant significance. c.983G>A has been reported in the literature in the compound heterozygous state in at least one individual affected with dopa responsive dystonia (e.g. Zhang_2017). These data do not allow any conclusion about variant significance. To our knowledge, no experimental evidence demonstrating an impact on protein function has been reported. This variant is also known as c.890G>A(p.R297Q). The following publication have been ascertained in the context of this evaluation (PMID: 28087438). No submitters have cited clinical-significance assessments for this variant to ClinVar. Based on the evidence outlined above, the variant was classified as uncertain significance.

Literature cited by the submitters: PubMed 28087438.